The following is an entry in ClinVar:

ClinVar aggregate classification (germline): Uncertain significance (1 of 4 stars; one submission).

Submission:

GeneDx
Classification: Uncertain significance. Last evaluated: 2026-02-27. Review status: criteria provided, single submitter. Criteria: GeneDx Variant Classification Process June 2021. Collection method: clinical testing. Allele origin: germline.
Comment: Not observed at significant frequency in large population cohorts (gnomAD); In silico analysis supports that this missense variant has a deleterious effect on protein structure/function; Has not been previously published as pathogenic or benign to our knowledge

NM_001287491.2(TET3):c.2351C>A (p.Pro784His)

Gene: TET3 (tet methylcytosine dioxygenase 3; plus strand). Cytogenetic location: 2p13.1.
Variant type: single nucleotide variant.
Coding change: c.2351C>A on transcript NM_001287491.2 (MANE Select); coding-DNA position 2351, C replaced by A.
Protein change: p.Pro784His; replaces proline 784 with histidine.
Molecular consequence: missense variant.
Genome position (GRCh38, 1-based): chr2:74,048,268, C>A. VCF-style: chr2-74048268-C-A. GRCh37 (hg19) VCF-style: chr2-74275395-C-A.
Other names: c.2072C>A, p.Pro691His (NM_001366022.1); short protein forms P691H, P784H.
Identifiers: ClinVar variation 5008003 (VCV005008003.1).
Genomic context (GRCh38, chr2:74,048,268, plus strand): 5'-CTGTGACTGTGCTCTCAACCACCTGCTTCCATTCAGAGGAGGGAGGACAGGAGGCCACAC[C>A]CACCAAGGCTGAGAACCCACTCACACCCACCCTCAGTGGCTTCTTGGAGTCACCTCTTAA-3'
Protein context (NP_001274420.1, residues 774-794): HSEEGGQEAT[Pro784His]TKAENPLTPT